The following is an entry in ClinVar:

GRCh37/hg19 19p13.3(chr19:3767254-3771952)x3

Genes: MRPL54 (mitochondrial ribosomal protein L54; plus strand), RAX2 (retina and anterior neural fold homeobox 2; minus strand). Cytogenetic location: 19p13.3.
Variant type: copy number gain.
Change: copy number 3 (three copies instead of two) of chr19:3,767,254-3,771,952 (4.7 kb, GRCh37 coordinates, 1-based), cytogenetic band 19p13.3.
Identifiers: ClinVar variation 395373 (VCV000395373.3).

ClinVar aggregate classification (germline): Benign/Likely benign (0 of 4 stars; one submission).

Submission:

ISCA Site 6
Classification: Benign/Likely benign. Review status: no assertion criteria provided. Collection method: clinical testing. Allele origin: unknown. Affected: yes. Observed: 3 variant alleles. Clinical features observed: Developmental delay AND/OR other significant developmental or morphological phenotypes.
Comment: Likely benign (1), Benign (2)

Copy number variation identified through the course of routine clinical cytogenomic testing in postnatal populations, with clinical assertions as classified by the original submitter. For data from the original published study, Kaminsky, et al. 2011 (PubMed 21844811), please see nstd101.